The following is an entry in ClinVar:

ClinVar aggregate classification (germline): Uncertain significance (1 of 4 stars; one submission).

Conditions:
Amyloidosis, hereditary systemic 1 (AMYLD1). Also called: Familial amyloid polyneuropathy; Transthyretin Amyloidosis; Hereditary oculoleptomeningeal amyloid angiopathy; Familial Transthyretin Amyloidosis; Isolated Cardiac Amyloidosis; Amyloid Cardiomyopathy, Transthyretin-related. Identifiers: Orphanet 85447, Orphanet 85451, MedGen C2751492, MONDO:0971004, OMIM 105210.

Submission:

Labcorp Genetics (formerly Invitae), Labcorp
Classification: Uncertain significance for Amyloidosis, hereditary systemic 1. Last evaluated: 2024-09-16. Review status: criteria provided, single submitter. Criteria: Invitae Variant Classification Sherloc (09022015). Collection method: clinical testing. Allele origin: germline.
Comment: This sequence change replaces aspartic acid, which is acidic and polar, with glycine, which is neutral and non-polar, at codon 59 of the TTR protein (p.Asp59Gly). This variant is not present in population databases (gnomAD no frequency). This variant has not been reported in the literature in individuals affected with TTR-related conditions. Invitae Evidence Modeling of protein sequence and biophysical properties (such as structural, functional, and spatial information, amino acid conservation, physicochemical variation, residue mobility, and thermodynamic stability) indicates that this missense variant is expected to disrupt TTR protein function with a positive predictive value of 95%. In summary, the available evidence is currently insufficient to determine the role of this variant in disease. Therefore, it has been classified as a Variant of Uncertain Significance.

NM_000371.4(TTR):c.176A>G (p.Asp59Gly)

Gene: TTR (transthyretin; plus strand). Cytogenetic location: 18q12.1.
Variant type: single nucleotide variant.
Coding change: c.176A>G on transcript NM_000371.4 (MANE Select); coding-DNA position 176, A replaced by G.
Protein change: p.Asp59Gly; replaces aspartic acid 59 with glycine.
Molecular consequence: missense variant.
Genome position (GRCh38, 1-based): chr18:31,593,002, A>G. VCF-style: chr18-31593002-A-G. GRCh37 (hg19) VCF-style: chr18-29172965-A-G.
Other names: short protein forms D59G.
Identifiers: ClinVar variation 3692515 (VCV003692515.2).
Genomic context (GRCh38, chr18:31,593,002, plus strand): 5'-CTGTCCGAGGCAGTCCTGCCATCAATGTGGCCGTGCATGTGTTCAGAAAGGCTGCTGATG[A>G]CACCTGGGAGCCATTTGCCTCTGGGTAAGTTGCCAAAGAACCCTCCCACAGGACTTGGTT-3'
Protein context (NP_000362.1, residues 49-69): AVHVFRKAAD[Asp59Gly]TWEPFASGKT